The following is an entry in ClinVar:

NM_002133.3(HMOX1):c.262del (p.Ala88fs)

Gene: HMOX1 (heme oxygenase 1; plus strand). Cytogenetic location: 22q12.3.
Variant type: Deletion.
Coding change: c.262del on transcript NM_002133.3 (MANE Select); coding-DNA position 262, one base deleted (G; older notation c.262delG).
Protein change: p.Ala88fs; shifts the reading frame from alanine 88.
Molecular consequence: frameshift variant.
Genome position (GRCh38, 1-based): chr22:35,386,802, G deleted. VCF-style (leftmost placement, unchanged base first): chr22-35386801-TG-T. GRCh37 (hg19) VCF-style: chr22-35782794-TG-T.
Other names: short protein forms A88fs.
Identifiers: ClinVar variation 4880140 (VCV004880140.1).

ClinVar aggregate classification (germline): Likely pathogenic (1 of 4 stars; one submission).

Conditions:
Primary ciliary dyskinesia. Also called: Ciliary dyskinesia. Identifiers: Orphanet 244, MedGen C0008780, MONDO:0016575, HP:0012265.

Submission:

Department of Human Genetics, Hannover Medical School
Classification: Likely pathogenic for Primary Ciliary Dyskinesia. Last evaluated: 2026-04-01. Review status: criteria provided, single submitter. Criteria: ACMG Guidelines, 2015. Collection method: research. Allele origin: germline. Affected: no.
Comment: Classification performed by HerediClassify using the following criteria:['PM2_supporting: Variant occures does not occur as homozygous in gnomAD.', 'PVS1_protein_very_strong: Transcript ENST00000216117 is predicted to undergo NMD.']